The following is an entry in ClinVar:

NM_001710.6(CFB):c.1322C>T (p.Ala441Val)

Gene: CFB (complement factor B; plus strand). Cytogenetic location: 6p21.33.
Variant type: single nucleotide variant.
Coding change: c.1322C>T on transcript NM_001710.6 (MANE Select); coding-DNA position 1322, C replaced by T.
Protein change: p.Ala441Val; replaces alanine 441 with valine.
Molecular consequence: missense variant.
Genome position (GRCh38, 1-based): chr6:31,949,471, C>T. VCF-style: chr6-31949471-C-T. GRCh37 (hg19) VCF-style: chr6-31917248-C-T.
Other names: short protein forms A441V.
Identifiers: ClinVar variation 4745770 (VCV004745770.1).

ClinVar aggregate classification (germline): Uncertain significance (1 of 4 stars; one submission).

gnomAD v4.1: 1 of 1,614,078 alleles (0.000062%); highest among the groups gnomAD compares: Non-Finnish European, 0.000085%; no homozygotes.

Submission:

Labcorp Genetics (formerly Invitae), Labcorp
Classification: Uncertain significance. Last evaluated: 2025-06-29. Review status: criteria provided, single submitter. Criteria: Invitae Variant Classification Sherloc (09022015). Collection method: clinical testing. Allele origin: germline.
Comment: This sequence change replaces alanine, which is neutral and non-polar, with valine, which is neutral and non-polar, at codon 441 of the CFB protein (p.Ala441Val). This variant is not present in population databases (gnomAD no frequency). This variant has not been reported in the literature in individuals affected with CFB-related conditions. Invitae Evidence Modeling of protein sequence and biophysical properties (such as structural, functional, and spatial information, amino acid conservation, physicochemical variation, residue mobility, and thermodynamic stability) indicates that this missense variant is not expected to disrupt CFB protein function with a negative predictive value of 80%. In summary, the available evidence is currently insufficient to determine the role of this variant in disease. Therefore, it has been classified as a Variant of Uncertain Significance.